The following is an entry in ClinVar:

NM_001384474.1(LOXHD1):c.5423C>A (p.Thr1808Asn)

Gene: LOXHD1 (lipoxygenase homology PLAT domains 1; minus strand). Cytogenetic location: 18q21.1.
Variant type: single nucleotide variant.
Coding change: c.5423C>A on transcript NM_001384474.1 (MANE Select); coding-DNA position 5423, C replaced by A.
Protein change: p.Thr1808Asn; replaces threonine 1808 with asparagine.
Molecular consequence: missense variant.
Genome position (GRCh38, 1-based): chr18:46,509,792, G>T on the plus strand (C>A on the coding strand, the complement: LOXHD1 is on the minus strand). VCF-style: chr18-46509792-G-T. GRCh37 (hg19) VCF-style: chr18-44089755-G-T.
Other names: c.2090C>A, p.Thr697Asn (NM_001145472.3); c.140C>A, p.Thr47Asn (NM_001145473.3, NM_001173129.2); c.1802C>A, p.Thr601Asn (NM_001308013.2); c.5237C>A, p.Thr1746Asn (NM_144612.7); short protein forms T1808N, T1746N, T601N, T697N, T47N.
Identifiers: ClinVar variation 2258363 (VCV002258363.5), dbSNP rs1391046085, ClinGen allele CA402368535.
Genomic context (GRCh38, chr18:46,509,792, plus strand): 5'-CCATCAATCCGGATCCGCATCTTGGTGAATGGAGCAATGTCTAGGATCTCCATGATGAAG[G>T]TGTCGTTCTGCTCCCGCTCAAACCTGGGGGTGGAGAGGAGGGGCATGAAGAAGGGAAGCT-3'
Protein context (NP_001371403.1, residues 1798-1818): KARFEREQND[Thr1808Asn]FIMEILDIAP

ClinVar aggregate classification (germline): Uncertain significance. Review status: criteria provided, multiple submitters, no conflicts (2 of 4 stars). 3 submissions from 3 submitters: Uncertain significance (3). Last evaluated 2025-12-01.

Conditions:
Inborn genetic diseases. Identifiers: MedGen C0950123, MeSH D030342.

Allele frequency attached by ClinVar (database versions not stated): TOPMed 0.00001.
gnomAD v4.1: 21 of 1,549,968 alleles (0.0014%); highest among the groups gnomAD compares: Non-Finnish European, 0.0017%; no homozygotes.

Submissions (3):

Labcorp Genetics (formerly Invitae), Labcorp
Classification: Uncertain significance. Last evaluated: 2025-12-01. Review status: criteria provided, single submitter. Criteria: Invitae Variant Classification Sherloc (09022015). Collection method: clinical testing. Allele origin: germline.
Comment: This sequence change replaces threonine, which is neutral and polar, with asparagine, which is neutral and polar, at codon 1746 of the LOXHD1 protein (p.Thr1746Asn). This variant is present in population databases (no rsID available, gnomAD 0.002%). This variant has not been reported in the literature in individuals affected with LOXHD1-related conditions. ClinVar contains an entry for this variant (Variation ID: 2258363). An algorithm developed to predict the effect of missense changes on protein structure and function (PolyPhen-2) suggests that this variant is likely to be disruptive. In summary, the available evidence is currently insufficient to determine the role of this variant in disease. Therefore, it has been classified as a Variant of Uncertain Significance.

Ambry Genetics
Classification: Uncertain significance for Inborn genetic diseases. Last evaluated: 2025-03-21. Review status: criteria provided, single submitter. Criteria: Ambry Variant Classification Scheme 2023. Collection method: clinical testing. Allele origin: germline.

Blueprint Genetics
Classification: Uncertain significance. Last evaluated: 2018-11-28. Review status: criteria provided, single submitter. Criteria: ACMG Guidelines, 2015. Collection method: clinical testing. Allele origin: germline.